The following is an entry in ClinVar:

NM_003227.4(TFR2):c.2042A>T (p.Tyr681Phe)

Genes: TFR2 (transferrin receptor 2; minus strand), LOC113687175 (Sharpr-MPRA regulatory region 4647; plus strand). Cytogenetic location: 7q22.1.
Variant type: single nucleotide variant.
Coding change: c.2042A>T on transcript NM_003227.4 (MANE Select); coding-DNA position 2042, A replaced by T.
Protein change: p.Tyr681Phe; replaces tyrosine 681 with phenylalanine.
Molecular consequence: missense variant.
Genome position (GRCh38, 1-based): chr7:100,626,857, T>A on the plus strand (A>T on the coding strand, the complement: TFR2 is on the minus strand). VCF-style: chr7-100626857-T-A. GRCh37 (hg19) VCF-style: chr7-100224480-T-A.
Other names: c.1529A>T, p.Tyr510Phe (NM_001206855.3); short protein forms Y510F, Y681F.
Identifiers: ClinVar variation 4062208 (VCV004062208.2).
Genomic context (GRCh38, chr7:100,626,857, plus strand): 5'-CGCTCGTCTCTCTCCTCCGAGCTGTAGATCTCCTGCCGCAGCTTTTCCGCCGCCCGGATG[T>A]AGTCCCCCCGCGCCGAGTACACCCACTGCAGGGTCAGCCCGCGGGCCTGGGGTGGGGAGG-3'
Protein context (NP_003218.2, residues 671-691): LQWVYSARGD[Tyr681Phe]IRAAEKLRQE

ClinVar aggregate classification (germline): Uncertain significance. Review status: criteria provided, single submitter (1 of 4 stars). 2 submissions from 2 submitters: Uncertain significance (1). 1 of the submissions does not count toward it. Last evaluated 2026-01-13.

Conditions:
Hemochromatosis type 3 (HFE3). Also called: HEMOCHROMATOSIS DUE TO DEFECT IN TRANSFERRIN RECEPTOR 2; Hereditary hemochromatosis type 3; TFR2-Related Hemochromatosis. Identifiers: Orphanet 225123, MedGen C1858664, MONDO:0011417, OMIM 604250.

Submissions (2):

Women's Health and Genetics/Laboratory Corporation of America, LabCorp
Classification: Uncertain significance. Last evaluated: 2026-01-13. Review status: criteria provided, single submitter. Criteria: LabCorp Variant Classification Summary - May 2015. Collection method: clinical testing. Allele origin: germline.
Comment: Variant summary: TFR2 c.2042A>T (p.Tyr681Phe) results in a conservative amino acid change in the encoded protein sequence. Algorithms developed to predict the effect of missense changes on protein structure and function are either unavailable or do not agree on the potential impact of this missense change. The variant was absent in 153258 control chromosomes. The available data on variant occurrences in the general population are insufficient to allow any conclusion about variant significance. To our knowledge, no occurrence of c.2042A>T in individuals affected with TFR2-related conditions and no experimental evidence demonstrating its impact on protein function have been reported. ClinVar contains an entry for this variant (Variation ID: 4062208). Based on the evidence outlined above, the variant was classified as uncertain significance.

Natera, Inc.
Classification: Uncertain significance for Hereditary hemochromatosis type 3. Last evaluated: 2025-02-20. Review status: no assertion criteria provided. Collection method: clinical testing. Allele origin: germline. Not counted in ClinVar's aggregate classification.